The following is an entry in ClinVar:

ClinVar aggregate classification (germline): Uncertain significance. Review status: criteria provided, multiple submitters, no conflicts (2 of 4 stars). 3 submissions from 3 submitters: Uncertain significance (3). Last evaluated 2025-12-11.

Conditions:
Inborn genetic diseases. Identifiers: MedGen C0950123, MeSH D030342.

gnomAD v4.1: 27 of 1,613,942 alleles (0.0017%); highest among the groups gnomAD compares: South Asian, 0.021%; no homozygotes.

Submissions (3):

Ambry Genetics
Classification: Uncertain significance for Inborn genetic diseases. Last evaluated: 2025-12-11. Review status: criteria provided, single submitter. Criteria: Ambry Variant Classification Scheme 2023. Collection method: clinical testing. Allele origin: germline.

Blueprint Genetics
Classification: Uncertain significance. Last evaluated: 2024-08-22. Review status: criteria provided, single submitter. Criteria: ACMG Guidelines, 2015. Collection method: clinical testing. Allele origin: germline.

Labcorp Genetics (formerly Invitae), Labcorp
Classification: Uncertain significance. Last evaluated: 2022-09-27. Review status: criteria provided, single submitter. Criteria: Invitae Variant Classification Sherloc (09022015). Collection method: clinical testing. Allele origin: germline.
Comment: This sequence change replaces glutamic acid, which is acidic and polar, with aspartic acid, which is acidic and polar, at codon 681 of the MTTP protein (p.Glu681Asp). This variant is present in population databases (rs145444300, gnomAD 0.02%). This variant has not been reported in the literature in individuals affected with MTTP-related conditions. ClinVar contains an entry for this variant (Variation ID: 1412462). Advanced modeling of protein sequence and biophysical properties (such as structural, functional, and spatial information, amino acid conservation, physicochemical variation, residue mobility, and thermodynamic stability) performed at Invitae indicates that this missense variant is not expected to disrupt MTTP protein function. In summary, the available evidence is currently insufficient to determine the role of this variant in disease. Therefore, it has been classified as a Variant of Uncertain Significance.

NM_001386140.1(MTTP):c.2043G>C (p.Glu681Asp)

Gene: MTTP (microsomal triglyceride transfer protein; plus strand). Cytogenetic location: 4q23.
Variant type: single nucleotide variant.
Coding change: c.2043G>C on transcript NM_001386140.1 (MANE Select); coding-DNA position 2043, G replaced by C.
Protein change: p.Glu681Asp; replaces glutamic acid 681 with aspartic acid.
Molecular consequence: missense variant.
Genome position (GRCh38, 1-based): chr4:99,612,966, G>C. VCF-style: chr4-99612966-G-C. GRCh37 (hg19) VCF-style: chr4-100534123-G-C.
Other names: c.2043G>C, p.Glu681Asp (NM_000253.4); c.1794G>C, p.Glu598Asp (NM_001300785.2); c.2043G>C (NM_000253.2); short protein forms E681D, E598D.
Identifiers: ClinVar variation 1412462 (VCV001412462.8), dbSNP rs145444300, ClinGen allele CA3022283.